The following is an entry in ClinVar:

NM_000321.3(RB1):c.2031del (p.Glu677fs)

Gene: RB1 (RB transcriptional corepressor 1; plus strand). Cytogenetic location: 13q14.2.
Variant type: Deletion.
Coding change: c.2031del on transcript NM_000321.3 (MANE Select); coding-DNA position 2031, one base deleted (A; older notation c.2031delA).
Protein change: p.Glu677fs; shifts the reading frame from glutamic acid 677.
Molecular consequence: frameshift variant.
Genome position (GRCh38, 1-based): chr13:48,459,758, A deleted; the last of 2 consecutive A bases (chr13:48,459,757-48,459,758); deleting either gives the same sequence. VCF-style (leftmost placement, unchanged base first): chr13-48459756-GA-G. GRCh37 (hg19) VCF-style: chr13-49033892-GA-G.
Other names: c.2031del, p.Glu677fs (NM_001407165.1); short protein forms E677fs.
Identifiers: ClinVar variation 3237058 (VCV003237058.1), dbSNP rs2542368243.

ClinVar aggregate classification (germline): Pathogenic (1 of 4 stars; one submission).

Conditions:
Retinoblastoma (RB1). Also called: RETINOBLASTOMA, SOMATIC. Identifiers: Orphanet 790, MedGen C0035335, MeSH D012175, MONDO:0008380, OMIM 180200, HP:0009919. Disease mechanism: loss of function. Inheritance: Both sporadic and heritable forms are tested..

Submission:

Genetic Diagnostic Laboratory, University of Pennsylvania School of Medicine
Classification: Pathogenic for Retinoblastoma. Last evaluated: 2024-05-20. Review status: criteria provided, single submitter. Criteria: ACMG Guidelines, 2015. Collection method: clinical testing. Allele origin: germline. Affected: yes. Observed: 1 variant allele.
Comment: Case and Pedigree Information: BILATERAL CASES:1, UNILATERAL CASES:0, TOTAL CASES:1, PEDIGREES:1. ACMG Codes Applied:PVS1, PM2